The following is an entry in ClinVar:

ClinVar aggregate classification (germline): Pathogenic (1 of 4 stars; one submission).

Submission:

Labcorp Genetics (formerly Invitae), Labcorp
Classification: Pathogenic. Last evaluated: 2023-11-10. Review status: criteria provided, single submitter. Criteria: Invitae Variant Classification Sherloc (09022015). Collection method: clinical testing. Allele origin: germline.
Comment: This sequence change creates a premature translational stop signal (p.Trp144*) in the ADGRG1 gene. It is expected to result in an absent or disrupted protein product. Loss-of-function variants in ADGRG1 are known to be pathogenic (PMID: 15044805, 20929962). This variant is not present in population databases (gnomAD no frequency). This variant has not been reported in the literature in individuals affected with ADGRG1-related conditions. For these reasons, this variant has been classified as Pathogenic.

Literature cited by the submitters: PubMed 15044805; PubMed 20929962.

NM_201525.4(ADGRG1):c.432G>A (p.Trp144Ter)

Gene: ADGRG1 (adhesion G protein-coupled receptor G1; plus strand). Cytogenetic location: 16q21.
Variant type: single nucleotide variant.
Coding change: c.432G>A on transcript NM_201525.4 (MANE Select); coding-DNA position 432, G replaced by A.
Protein change: p.Trp144Ter; replaces tryptophan 144 with a stop codon.
Molecular consequence: nonsense. On other transcripts: 5 prime UTR variant (5), intron variant (1).
Genome position (GRCh38, 1-based): chr16:57,651,567, G>A. VCF-style: chr16-57651567-G-A. GRCh37 (hg19) VCF-style: chr16-57685479-G-A.
Other names: c.432G>A, p.Trp144Ter (NM_001145770.3, NM_001145771.3, NM_001145772.3 and 16 more transcripts); c.447G>A, p.Trp149Ter (NM_001145773.3, NM_001370433.1); c.-94G>A (NM_001290143.2, NM_001290144.2, NM_001370451.1 and 2 more transcripts); c.276G>A, p.Trp92Ter (NM_001370442.1); c.110+322G>A (NM_001290142.2); short protein forms W144*, W149*, W92*.
Identifiers: ClinVar variation 2762364 (VCV002762364.3), dbSNP rs1275309136, ClinGen allele CA396043929.
Genomic context (GRCh38, chr16:57,651,567, plus strand): 5'-CCAGGAGGAGAGCCTGGCTCAGGGCCCCCCGCTGTTAGCCACTTCTGTCACCTCCTGGTG[G>A]AGCCCTCAGAACATCAGCCTGCCCAGTGCCGCCAGCTTCACCTTCTCCTTCCACAGTAAG-3'